The following is an entry in ClinVar:

ClinVar aggregate classification (germline): Benign/Likely benign. Review status: criteria provided, multiple submitters, no conflicts (2 of 4 stars). 5 submissions from 5 submitters: Benign (3); Likely benign (2). Last evaluated 2026-01-22.

Conditions:
Leukocyte adhesion deficiency 1 (LAD1). Also called: LEUKOCYTE ADHESION DEFICIENCY, TYPE I; LAD 1; Lymphocyte function-associated antigen 1 immunodeficiency; LFA 1 immunodeficiency. Identifiers: Orphanet 2968, Orphanet 99842, MedGen C0398738, MONDO:0007293, OMIM 116920.

Allele frequency attached by ClinVar (database versions not stated): 1000 Genomes Project 0.00379; gnomAD 0.00418; 1000 Genomes Project 30x 0.00422; TOPMed 0.00462; ESP Exome Variant Server 0.00484.
gnomAD v4.1: 1,170 of 1,613,596 alleles (0.073%); highest among the groups gnomAD compares: African/African-American, 1.4%; 12 homozygotes.

Submissions (5):

Women's Health and Genetics/Laboratory Corporation of America, LabCorp
Classification: Likely benign. Last evaluated: 2026-01-22. Review status: criteria provided, single submitter. Criteria: LabCorp Variant Classification Summary - May 2015. Collection method: clinical testing. Allele origin: germline.

Labcorp Genetics (formerly Invitae), Labcorp
Classification: Benign for Leukocyte adhesion deficiency 1. Last evaluated: 2026-01-19. Review status: criteria provided, single submitter. Criteria: Invitae Variant Classification Sherloc (09022015). Collection method: clinical testing. Allele origin: germline.

Blueprint Genetics
Classification: Likely benign. Last evaluated: 2024-11-13. Review status: criteria provided, single submitter. Criteria: ACMG Guidelines, 2015. Collection method: clinical testing. Allele origin: germline.

Illumina Laboratory Services, Illumina
Classification: Benign for Leukocyte adhesion deficiency 1. Last evaluated: 2018-01-12. Review status: criteria provided, single submitter. Criteria: ICSL Variant Classification Criteria 13 December 2019. Collection method: clinical testing. Allele origin: germline.
Comment: This variant was observed in the ICSL laboratory as part of a predisposition screen in an ostensibly healthy population. It had not been previously curated by ICSL or reported in the Human Gene Mutation Database (HGMD: prior to June 1st, 2018), and was therefore a candidate for classification through an automated scoring system. Utilizing variant allele frequency, disease prevalence and penetrance estimates, and inheritance mode, an automated score was calculated to assess if this variant is too frequent to cause the disease. Based on the score and internal cut-off values, a variant classified as benign is not then subjected to further curation. The score for this variant resulted in a classification of benign for this disease.

Breakthrough Genomics
Classification: Benign. Review status: criteria provided, single submitter. Criteria: ACMG Guidelines, 2015. Collection method: not provided. Allele origin: germline. Inheritance: Autosomal recessive inheritance. Affected: yes.

NM_000211.5(ITGB2):c.1026G>C (p.Val342=)

Gene: ITGB2 (integrin subunit beta 2; minus strand). Cytogenetic location: 21q22.3.
Variant type: single nucleotide variant.
Coding change: c.1026G>C on transcript NM_000211.5 (MANE Select); coding-DNA position 1026, G replaced by C.
Protein change: p.Val342=; no amino-acid change (valine 342 retained).
Molecular consequence: synonymous variant.
Genome position (GRCh38, 1-based): chr21:44,895,028, C>G on the plus strand (G>C on the coding strand, the complement: ITGB2 is on the minus strand). VCF-style: chr21-44895028-C-G. GRCh37 (hg19) VCF-style: chr21-46314943-C-G.
Other names: c.1026G>C, p.Val342= (NM_001127491.3); c.819G>C, p.Val273= (NM_001303238.2); c.1026G>C (LRG_76t1).
Identifiers: ClinVar variation 340159 (VCV000340159.17), dbSNP rs142185460, ClinGen allele CA10062954.